The following is an entry in ClinVar:

ClinVar aggregate classification (germline): Uncertain significance (1 of 4 stars; one submission).

Submission:

Labcorp Genetics (formerly Invitae), Labcorp
Classification: Uncertain significance. Last evaluated: 2024-04-04. Review status: criteria provided, single submitter. Criteria: Invitae Variant Classification Sherloc (09022015). Collection method: clinical testing. Allele origin: germline.
Comment: This sequence change replaces tyrosine, which is neutral and polar, with cysteine, which is neutral and slightly polar, at codon 80 of the AP2S1 protein (p.Tyr80Cys). This variant is not present in population databases (gnomAD no frequency). This variant has not been reported in the literature in individuals affected with AP2S1-related conditions. An algorithm developed to predict the effect of missense changes on protein structure and function (PolyPhen-2) suggests that this variant is likely to be disruptive. In summary, the available evidence is currently insufficient to determine the role of this variant in disease. Therefore, it has been classified as a Variant of Uncertain Significance.

NM_004069.6(AP2S1):c.239A>G (p.Tyr80Cys)

Gene: AP2S1 (adaptor related protein complex 2 subunit sigma 1; minus strand). Cytogenetic location: 19q13.32.
Variant type: single nucleotide variant.
Coding change: c.239A>G on transcript NM_004069.6 (MANE Select); coding-DNA position 239, A replaced by G.
Protein change: p.Tyr80Cys; replaces tyrosine 80 with cysteine.
Molecular consequence: missense variant. On other transcripts: intron variant (1).
Genome position (GRCh38, 1-based): chr19:46,839,493, T>C on the plus strand (A>G on the coding strand, the complement: AP2S1 is on the minus strand). VCF-style: chr19-46839493-T-C. GRCh37 (hg19) VCF-style: chr19-47342750-T-C.
Other names: c.154-694A>G (NM_021575.5); c.287A>G, p.Tyr96Cys (NM_001301076.3); c.281A>G, p.Tyr94Cys (NM_001301078.3); c.245A>G, p.Tyr82Cys (NM_001301081.3); short protein forms Y80C, Y82C, Y94C, Y96C.
Identifiers: ClinVar variation 3604286 (VCV003604286.2).
Genomic context (GRCh38, chr19:46,839,493, plus strand): 5'-CCTCCCCACCTTACATCCCTCTCCCGCCGTACCTCCACGAAGTTGTGAATGGCCTCCAGG[T>C]AAGCCAGGTTGTTGTCATTGACATCCACACAGATGCAGAAGTAGAGGCCAGCATAGCGGC-3'
Protein context (NP_004060.2, residues 70-90): CVDVNDNNLA[Tyr80Cys]LEAIHNFVEV